The following is an entry in ClinVar:

ClinVar aggregate classification (germline): Conflicting classifications of pathogenicity. Review status: criteria provided, conflicting classifications (1 of 4 stars). 10 submissions from 9 submitters: Uncertain significance (7); Benign (1); Likely benign (2). Last evaluated 2026-10-20.

Conditions:
Adams-Oliver syndrome 5 (AOS5). Identifiers: Orphanet 974, MedGen C4014970, MONDO:0014459, OMIM 616028.
Aortic valve disorder (AOVD1). Also called: AORTIC VALVE DISEASE. Identifiers: MedGen C1260873, MONDO:0003803.
Familial thoracic aortic aneurysm and aortic dissection (TAAD). Also called: Thoracic aortic aneurysms and dissections. Identifiers: Orphanet 91387, MedGen C4707243, MONDO:0019625.
Aortic valve disease 1 (AOVD1). Identifiers: MedGen C3887892, MONDO:0024523, OMIM 109730.

Allele frequency attached by ClinVar (database versions not stated): TOPMed 0.00008; ExAC 0.00007; gnomAD exomes 0.00010 and 0.00005; ESP Exome Variant Server 0.00016; 1000 Genomes Project 30x 0.00031; gnomAD 0.00003; 1000 Genomes Project 0.00020.
gnomAD v4.1: 160 of 1,611,622 alleles (0.0099%); highest among the groups gnomAD compares: Non-Finnish European, 0.012%; no homozygotes.

Submissions (10):

GeneDx
Classification: Uncertain significance. Last evaluated: 2026-10-20. Review status: criteria provided, single submitter. Criteria: GeneDx Variant Classification Process June 2021. Collection method: clinical testing. Allele origin: germline.
Comment: Reported in an individual with bicuspid aortic valve (PMID: 25260786); In silico analysis supports that this missense variant has a deleterious effect on protein structure/function; This variant is associated with the following publications: (PMID: 31624253, 25260786)

Labcorp Genetics (formerly Invitae), Labcorp
Classification: Benign for Adams-Oliver syndrome 5. Last evaluated: 2026-01-26. Review status: criteria provided, single submitter. Criteria: Invitae Variant Classification Sherloc (09022015). Collection method: clinical testing. Allele origin: germline.

Women's Health and Genetics/Laboratory Corporation of America, LabCorp
Classification: Likely benign. Last evaluated: 2024-11-18. Review status: criteria provided, single submitter. Criteria: LabCorp Variant Classification Summary - May 2015. Collection method: clinical testing. Allele origin: germline.
Comment: Variant summary: NOTCH1 c.6481C>T (p.Pro2161Ser) results in a non-conservative amino acid change in the encoded protein sequence. Four of four in-silico tools predict a damaging effect of the variant on protein function. The variant allele was found at a frequency of 4.9e-05 in 246054 control chromosomes, predominantly at a frequency of 0.00011 within the Non-Finnish European subpopulation in the gnomAD database. The observed variant frequency within Non-Finnish European control individuals in the gnomAD database is approximately 176 fold of the estimated maximal expected allele frequency for a pathogenic variant in NOTCH1 causing Adams-Oliver Syndrome 5 phenotype (6.3e-07). To our knowledge, no occurrence of c.6481C>T in individuals affected with Adams-Oliver Syndrome 5 and no experimental evidence demonstrating its impact on protein function have been reported. ClinVar contains an entry for this variant (Variation ID: 449324). Based on the evidence outlined above, the variant was classified as likely benign.

Ambry Genetics
Classification: Uncertain significance for Familial thoracic aortic aneurysm and aortic dissection. Last evaluated: 2024-01-05. Review status: criteria provided, single submitter. Criteria: Ambry Variant Classification Scheme 2023. Collection method: clinical testing. Allele origin: germline.
Comment: The p.P2161S variant (also known as c.6481C>T), located in coding exon 34 of the NOTCH1 gene, results from a C to T substitution at nucleotide position 6481. The proline at codon 2161 is replaced by serine, an amino acid with similar properties. This variant was identified in a cohort of individuals with bicuspid aortic valve and in an individual with heterotaxy (Bonachea EM et al. BMC Med Genomics, 2014 Sep;7:56; Watkins WS et al. Nat Commun. 2019 10;10(1):4722). This amino acid position is well conserved in available vertebrate species. In addition, the in silico prediction for this alteration is inconclusive. Since supporting evidence is limited at this time, the clinical significance of this alteration remains unclear.

Blueprint Genetics
Classification: Likely benign. Last evaluated: 2022-09-06. Review status: criteria provided, single submitter. Criteria: ACMG Guidelines, 2015. Collection method: clinical testing. Allele origin: germline.

Fulgent Genetics
Classification: Uncertain significance for Aortic valve disease 1; Adams-Oliver syndrome 5. Last evaluated: 2022-04-26. Review status: criteria provided, single submitter. Criteria: ACMG Guidelines, 2015. Collection method: clinical testing. Allele origin: unknown.

Genome-Nilou Lab
Classification: Uncertain significance for Adams-Oliver syndrome 5. Last evaluated: 2022-03-15. Review status: criteria provided, single submitter. Criteria: ACMG Guidelines, 2015. Collection method: clinical testing. Allele origin: germline. Affected: no.

Genome-Nilou Lab
Classification: Uncertain significance for Aortic valve disease 1. Last evaluated: 2022-03-15. Review status: criteria provided, single submitter. Criteria: ACMG Guidelines, 2015. Collection method: clinical testing. Allele origin: germline. Affected: no.

Baylor Genetics
Classification: Uncertain significance for Aortic valve disease 1. Last evaluated: 2018-04-20. Review status: criteria provided, single submitter. Criteria: ACMG Guidelines, 2015. Collection method: clinical testing. Allele origin: maternal. Affected: yes.
Comment: This variant was determined to be of uncertain significance according to ACMG Guidelines, 2015 [PMID:25741868].

Eurofins Ntd Llc (ga)
Classification: Uncertain significance. Last evaluated: 2017-03-17. Review status: criteria provided, single submitter. Criteria: EGL Classification Definitions 2015. Collection method: clinical testing. Allele origin: germline. Observed: 1 variant allele, 1 heterozygote.

Literature cited by the submitters: PubMed 24943832 (cited by Women's Health and Genetics/Laboratory Corporation of America, LabCorp); PubMed 16614245 (cited by Women's Health and Genetics/Laboratory Corporation of America, LabCorp); PubMed 21670202 (cited by Women's Health and Genetics/Laboratory Corporation of America, LabCorp); PubMed 22210878 (cited by Women's Health and Genetics/Laboratory Corporation of America, LabCorp); PubMed 19635999 (cited by Women's Health and Genetics/Laboratory Corporation of America, LabCorp); PubMed 26837699 (cited by Women's Health and Genetics/Laboratory Corporation of America, LabCorp); PubMed 23086750 (cited by Women's Health and Genetics/Laboratory Corporation of America, LabCorp); PubMed 19245433 (cited by Women's Health and Genetics/Laboratory Corporation of America, LabCorp); PubMed 22077063 (cited by Women's Health and Genetics/Laboratory Corporation of America, LabCorp); PubMed 15472075 (cited by Women's Health and Genetics/Laboratory Corporation of America, LabCorp); PubMed 23734977 (cited by Women's Health and Genetics/Laboratory Corporation of America, LabCorp); PubMed 22858860 (cited by Women's Health and Genetics/Laboratory Corporation of America, LabCorp); PubMed 25260786 (cited by Ambry Genetics); PubMed 31624253 (cited by Ambry Genetics).

NM_017617.5(NOTCH1):c.6481C>T (p.Pro2161Ser)

Gene: NOTCH1 (notch receptor 1; minus strand). Cytogenetic location: 9q34.3.
Variant type: single nucleotide variant.
Coding change: c.6481C>T on transcript NM_017617.5 (MANE Select); coding-DNA position 6481, C replaced by T.
Protein change: p.Pro2161Ser; replaces proline 2161 with serine.
Molecular consequence: missense variant.
Genome position (GRCh38, 1-based): chr9:136,497,258, G>A on the plus strand (C>T on the coding strand, the complement: NOTCH1 is on the minus strand). VCF-style: chr9-136497258-G-A. GRCh37 (hg19) VCF-style: chr9-139391710-G-A.
Other names: c.6481C>T, p.Pro2161Ser (LRG_1122t1); short protein forms P2161S.
Identifiers: ClinVar variation 449324 (VCV000449324.32), dbSNP rs201518848, ClinGen allele CA5339890.